The following is an entry in ClinVar:

ClinVar aggregate classification (germline): Likely pathogenic (1 of 4 stars; one submission).

Submission:

Labcorp Genetics (formerly Invitae), Labcorp
Classification: Likely pathogenic. Last evaluated: 2022-09-20. Review status: criteria provided, single submitter. Criteria: Invitae Variant Classification Sherloc (09022015). Collection method: clinical testing. Allele origin: germline.
Comment: In summary, the currently available evidence indicates that the variant is pathogenic, but additional data are needed to prove that conclusively. Therefore, this variant has been classified as Likely Pathogenic. Algorithms developed to predict the effect of sequence changes on RNA splicing suggest that this variant may disrupt the consensus splice site. This variant has not been reported in the literature in individuals affected with LIFR-related conditions. This variant is not present in population databases (gnomAD no frequency). This sequence change affects a splice site in intron 5 of the LIFR gene. It is expected to disrupt RNA splicing. Variants that disrupt the donor or acceptor splice site typically lead to a loss of protein function (PMID: 16199547), and loss-of-function variants in LIFR are known to be pathogenic (PMID: 14740318).

Literature cited by the submitters: PubMed 16199547; PubMed 14740318.

NM_001127671.2(LIFR):c.561+1del

Gene: LIFR (LIF receptor subunit alpha; minus strand). Cytogenetic location: 5p13.1.
Variant type: Deletion.
Coding change: c.561+1del on transcript NM_001127671.2 (MANE Select); the canonical splice donor site of the intron after coding-DNA position 561, one base deleted (G; older notation c.561+1delG).
Molecular consequence: splice donor variant.
Genome position (GRCh38, 1-based): chr5:38,523,418, C deleted on the plus strand (G on the coding strand, the reverse complement: LIFR is on the minus strand). VCF-style (leftmost placement, unchanged base first): chr5-38523417-AC-A. GRCh37 (hg19) VCF-style: chr5-38523519-AC-A.
Other names: c.561+1del (NM_002310.6, NM_001364298.2, NM_001364297.2).
Identifiers: ClinVar variation 2031537 (VCV002031537.4), dbSNP rs2531115922, ClinGen allele CA2580073259.
Genomic context (GRCh38, chr5:38,523,417, plus strand): 5'-TCTTAAAAAAAATTATTCAGTTTCTTTAATGTCATAGGAAGAAAATCTATGTTCAAACTT[AC>A]TAATTTTACGAGCTCCATACTCTCTTTACGTAGAACTTTAATTTCCCAGATAACATTTGA-3'